The following is an entry in ClinVar:

NM_003640.5(ELP1):c.1264C>T (p.His422Tyr)

Gene: ELP1 (elongator acetyltransferase complex subunit 1; minus strand). Cytogenetic location: 9q31.3.
Variant type: single nucleotide variant.
Coding change: c.1264C>T on transcript NM_003640.5 (MANE Select); coding-DNA position 1264, C replaced by T.
Protein change: p.His422Tyr; replaces histidine 422 with tyrosine.
Molecular consequence: missense variant.
Genome position (GRCh38, 1-based): chr9:108,911,106, G>A on the plus strand (C>T on the coding strand, the complement: ELP1 is on the minus strand). VCF-style: chr9-108911106-G-A. GRCh37 (hg19) VCF-style: chr9-111673386-G-A.
Other names: c.922C>T, p.His308Tyr (NM_001318360.2); c.217C>T, p.His73Tyr (NM_001330749.2); short protein forms H308Y, H422Y, H73Y.
Identifiers: ClinVar variation 2289796 (VCV002289796.3), dbSNP rs1829203119, ClinGen allele CA374428969.
Genomic context (GRCh38, chr9:108,911,106, plus strand): 5'-GAACAGCAAGGTCATTACTCTTTTGAGGGTGTGCTAAGAATGTGACTTGATTCACAGGGT[G>A]TGGGAACAGCAGTTGGTAGGTGCACATGGGAGGCGGAACCACAGTCTGCCGGAAGACTGT-3'
Protein context (NP_003631.2, residues 412-432): PMCTYQLLFP[His422Tyr]PVNQVTFLAH

ClinVar aggregate classification (germline): Uncertain significance (1 of 4 stars; one submission).

Allele frequency attached by ClinVar (database versions not stated): gnomAD exomes below 0.00001; TOPMed below 0.00001; gnomAD 0.00001.

Submission:

Ambry Genetics
Classification: Uncertain significance. Last evaluated: 2024-03-17. Review status: criteria provided, single submitter. Criteria: Ambry Variant Classification Scheme 2023. Collection method: clinical testing. Allele origin: germline.
Comment: The p.H422Y variant (also known as c.1264C>T), located in coding exon 11 of the IKBKAP gene, results from a C to T substitution at nucleotide position 1264. The histidine at codon 422 is replaced by tyrosine, an amino acid with similar properties. This amino acid position is conserved. In addition, this alteration is predicted to be tolerated by in silico analysis. Based on the available evidence, the clinical significance of this alteration remains unclear.